The following is an entry in ClinVar:

ClinVar aggregate classification (germline): Uncertain significance (1 of 4 stars; one submission).

Conditions:
Amyotrophic lateral sclerosis type 6. Also called: AMYOTROPHIC LATERAL SCLEROSIS 6 WITHOUT FRONTOTEMPORAL DEMENTIA; FUS-Related Amyotrophic Laterial Sclerosis; Amyotrophic lateral sclerosis 6, with or without frontotemporal dementia. Identifiers: Orphanet 275872, Orphanet 803, MedGen C2931786, MONDO:0011951, OMIM 608030.
Tremor, hereditary essential, 4 (ETM4). Identifiers: MedGen C3539195, MONDO:0013888, OMIM 614782.

Submission:

Labcorp Genetics (formerly Invitae), Labcorp
Classification: Uncertain significance for Tremor, hereditary essential, 4; Amyotrophic lateral sclerosis type 6. Last evaluated: 2022-03-20. Review status: criteria provided, single submitter. Criteria: Invitae Variant Classification Sherloc (09022015). Collection method: clinical testing. Allele origin: germline.
Comment: In summary, the available evidence is currently insufficient to determine the role of this variant in disease. Therefore, it has been classified as a Variant of Uncertain Significance. Algorithms developed to predict the effect of missense changes on protein structure and function are either unavailable or do not agree on the potential impact of this missense change (SIFT: "Deleterious"; PolyPhen-2: "Benign"; Align-GVGD: "Class C65"). This variant has not been reported in the literature in individuals affected with FUS-related conditions. This variant is not present in population databases (gnomAD no frequency). This sequence change replaces arginine, which is basic and polar, with proline, which is neutral and non-polar, at codon 386 of the FUS protein (p.Arg386Pro).

NM_004960.4(FUS):c.1157G>C (p.Arg386Pro)

Gene: FUS (FUS RNA binding protein; plus strand). Cytogenetic location: 16p11.2.
Variant type: single nucleotide variant.
Coding change: c.1157G>C on transcript NM_004960.4 (MANE Select); coding-DNA position 1157, G replaced by C.
Protein change: p.Arg386Pro; replaces arginine 386 with proline.
Molecular consequence: missense variant. On other transcripts: non-coding transcript variant (1).
Genome position (GRCh38, 1-based): chr16:31,190,130, G>C. VCF-style: chr16-31190130-G-C. GRCh37 (hg19) VCF-style: chr16-31201451-G-C.
Other names: c.1154G>C, p.Arg385Pro (NM_001170634.1); c.1145G>C, p.Arg382Pro (NM_001170937.1); short protein forms R386P, R382P, R385P.
Identifiers: ClinVar variation 2115114 (VCV002115114.4), dbSNP rs757832052, ClinGen allele CA395674537.